The following is an entry in ClinVar:

NM_001845.6(COL4A1):c.4945A>T (p.Thr1649Ser)

Gene: COL4A1 (collagen type IV alpha 1 chain; minus strand). Cytogenetic location: 13q34.
Variant type: single nucleotide variant.
Coding change: c.4945A>T on transcript NM_001845.6 (MANE Select); coding-DNA position 4945, A replaced by T.
Protein change: p.Thr1649Ser; replaces threonine 1649 with serine.
Molecular consequence: missense variant.
Genome position (GRCh38, 1-based): chr13:110,150,428, T>A on the plus strand (A>T on the coding strand, the complement: COL4A1 is on the minus strand). VCF-style: chr13-110150428-T-A. GRCh37 (hg19) VCF-style: chr13-110802775-T-A.
Other names: short protein forms T1649S.
Identifiers: ClinVar variation 4746020 (VCV004746020.1).

ClinVar aggregate classification (germline): Uncertain significance (1 of 4 stars; one submission).

Submission:

Labcorp Genetics (formerly Invitae), Labcorp
Classification: Uncertain significance. Last evaluated: 2025-06-11. Review status: criteria provided, single submitter. Criteria: Invitae Variant Classification Sherloc (09022015). Collection method: clinical testing. Allele origin: germline.
Comment: This sequence change replaces threonine, which is neutral and polar, with serine, which is neutral and polar, at codon 1649 of the COL4A1 protein (p.Thr1649Ser). This variant is not present in population databases (gnomAD no frequency). This variant has not been reported in the literature in individuals affected with COL4A1-related conditions. Invitae Evidence Modeling of protein sequence and biophysical properties (such as structural, functional, and spatial information, amino acid conservation, physicochemical variation, residue mobility, and thermodynamic stability) has been performed for this missense variant. However, the output from this modeling did not meet the statistical confidence thresholds required to predict the impact of this variant on COL4A1 protein function. In summary, the available evidence is currently insufficient to determine the role of this variant in disease. Therefore, it has been classified as a Variant of Uncertain Significance.